The following is an entry in ClinVar:

NM_020778.5(ALPK3):c.2749G>A (p.Gly917Arg)

Gene: ALPK3 (alpha kinase 3; plus strand). Cytogenetic location: 15q25.3.
Variant type: single nucleotide variant.
Coding change: c.2749G>A on transcript NM_020778.5 (MANE Select); coding-DNA position 2749, G replaced by A.
Protein change: p.Gly917Arg; replaces glycine 917 with arginine.
Molecular consequence: missense variant.
Genome position (GRCh38, 1-based): chr15:84,857,487, G>A. VCF-style: chr15-84857487-G-A. GRCh37 (hg19) VCF-style: chr15-85400718-G-A.
Other names: short protein forms G917R.
Identifiers: ClinVar variation 2449103 (VCV002449103.2), dbSNP rs1963879603, ClinGen allele CA393358236.

ClinVar aggregate classification (germline): Uncertain significance (1 of 4 stars; one submission).

Conditions:
Cardiovascular phenotype. Identifiers: MedGen CN230736.

Submission:

Ambry Genetics
Classification: Uncertain significance for Cardiovascular phenotype. Last evaluated: 2022-12-25. Review status: criteria provided, single submitter. Criteria: Ambry Variant Classification Scheme 2023. Collection method: clinical testing. Allele origin: germline.
Comment: The p.G1119R variant (also known as c.3355G>A), located in coding exon 6 of the ALPK3 gene, results from a G to A substitution at nucleotide position 3355. The glycine at codon 1119 is replaced by arginine, an amino acid with dissimilar properties. This amino acid position is conserved. In addition, this alteration is predicted to be tolerated by in silico analysis. Since supporting evidence is limited at this time, the clinical significance of this alteration remains unclear.